The following is an entry in ClinVar:

ClinVar aggregate classification (germline): Uncertain significance (1 of 4 stars; one submission).

Submission:

GeneDx
Classification: Uncertain significance. Last evaluated: 2022-12-23. Review status: criteria provided, single submitter. Criteria: GeneDx Variant Classification Process June 2021. Collection method: clinical testing. Allele origin: germline. Affected: yes.
Comment: Not observed at significant frequency in large population cohorts (gnomAD); In silico analysis supports that this missense variant has a deleterious effect on protein structure/function; Has not been previously published as pathogenic or benign to our knowledge

NM_024757.5(EHMT1):c.3416G>T (p.Gly1139Val)

Gene: EHMT1 (euchromatic histone lysine methyltransferase 1; plus strand). Cytogenetic location: 9q34.3.
Variant type: single nucleotide variant.
Coding change: c.3416G>T on transcript NM_024757.5 (MANE Select); coding-DNA position 3416, G replaced by T.
Protein change: p.Gly1139Val; replaces glycine 1139 with valine.
Molecular consequence: missense variant.
Genome position (GRCh38, 1-based): chr9:137,817,480, G>T. VCF-style: chr9-137817480-G-T. GRCh37 (hg19) VCF-style: chr9-140711932-G-T.
Other names: c.3395G>T, p.Gly1132Val (NM_001354263.2); short protein forms G1132V, G1139V.
Identifiers: ClinVar variation 2571827 (VCV002571827.1), dbSNP rs2538749317, ClinGen allele CA375773015.